The following is an entry in ClinVar:

ClinVar aggregate classification (germline): Uncertain significance. Review status: criteria provided, multiple submitters, no conflicts (2 of 4 stars). 2 submissions from 2 submitters: Uncertain significance (2). Last evaluated 2023-07-17.

Conditions:
KBG syndrome (KBGS). Also called: ANKRD11-Related KBG Syndrome. Identifiers: Orphanet 2332, MedGen C0220687, MONDO:0007846, OMIM 148050.

Allele frequency attached by ClinVar (database versions not stated): gnomAD exomes below 0.00001.
gnomAD v4.1: 4 of 1,614,014 alleles (0.00025%); highest among the groups gnomAD compares: South Asian, 0.0011%; no homozygotes.

Submissions (2):

Victorian Clinical Genetics Services, Murdoch Childrens Research Institute
Classification: Uncertain significance for KBG syndrome. Last evaluated: 2023-07-17. Review status: criteria provided, single submitter. Criteria: ACMG Guidelines, 2015. Collection method: clinical testing. Allele origin: germline. Inheritance: Autosomal dominant inheritance. Affected: yes.
Comment: Based on the classification scheme VCGS_Germline_v1.3.4, this variant is classified as VUS-3B. Following criteria are met: 0102 - Loss of function is a known mechanism of disease in this gene and is associated with KBG syndrome (MIM#148050). However, the mechanism for missense variants is unclear. (I) 0107 - This gene is associated with autosomal dominant disease. (I) 0115 - Variants in this gene are known to have variable expressivity, with intrafamilial variability commonly reported (PMID: 29258554). (I) 0200 - Variant is predicted to result in a missense amino acid change from threonine to methionine. (I) 0251 - This variant is heterozygous. (I) 0301 - Variant is absent from gnomAD (both v2 and v3). (SP) 0502 - Missense variant with conflicting in silico predictions and uninformative conservation. (I) 0604 - Variant is not located in an established domain, motif, hotspot or informative constraint region. (I) 0705 - No comparable missense variants have previous evidence for pathogenicity. (I) 0807 - This variant has no previous evidence of pathogenicity. (I) 0905 - No published segregation evidence has been identified for this variant. (I) 1007 - No published functional evidence has been identified for this variant. (I) 1208 - Inheritance information for this variant is not currently available in this individual. (I) Legend: (SP) - Supporting pathogenic, (I) - Information, (SB) - Supporting benign

Women's Health and Genetics/Laboratory Corporation of America, LabCorp
Classification: Uncertain significance. Last evaluated: 2023-07-03. Review status: criteria provided, single submitter. Criteria: LabCorp Variant Classification Summary - May 2015. Collection method: clinical testing. Allele origin: germline.
Comment: Variant summary: ANKRD11 c.2639C>T (p.Thr880Met) results in a non-conservative amino acid change in the encoded protein sequence. Three of five in-silico tools predict a damaging effect of the variant on protein function. The variant was absent in 251260 control chromosomes (gnomAD). The available data on variant occurrences in the general population are insufficient to allow any conclusion about variant significance. To our knowledge, no occurrence of c.2639C>T in individuals affected with KBG Syndrome and no experimental evidence demonstrating its impact on protein function have been reported. No submitters have reported clinical-significance assessments for this variant to ClinVar after 2014. Based on the evidence outlined above, the variant was classified as uncertain significance.

Literature cited by the submitters: PubMed 29258554 (cited by Victorian Clinical Genetics Services, Murdoch Childrens Research Institute).

NM_013275.6(ANKRD11):c.2639C>T (p.Thr880Met)

Gene: ANKRD11 (ankyrin repeat domain 11; minus strand). Cytogenetic location: 16q24.3.
Variant type: single nucleotide variant.
Coding change: c.2639C>T on transcript NM_013275.6 (MANE Select); coding-DNA position 2639, C replaced by T.
Protein change: p.Thr880Met; replaces threonine 880 with methionine.
Molecular consequence: missense variant.
Genome position (GRCh38, 1-based): chr16:89,283,903, G>A on the plus strand (C>T on the coding strand, the complement: ANKRD11 is on the minus strand). VCF-style: chr16-89283903-G-A. GRCh37 (hg19) VCF-style: chr16-89350311-G-A.
Other names: c.2639C>T, p.Thr880Met (NM_001256182.2, NM_001256183.2); short protein forms T880M.
Identifiers: ClinVar variation 2577089 (VCV002577089.2), dbSNP rs2544240532, ClinGen allele CA397161880.
Genomic context (GRCh38, chr16:89,283,903, plus strand): 5'-TAGTCTCGCTTCTCCCGGGCCCGGCTGTCCCGCCTCCTCTCCTTGCTGTCCTCCTTCACC[G>A]TCTCCAAGATGAGCTTGGCCACAGAGTCGCTCTTCATGTCCCTGTAGTCTGTCACTGGCG-3'
Protein context (NP_037407.4, residues 870-890): SDSVAKLILE[Thr880Met]VKEDSKERRR